The following is an entry in ClinVar:

ClinVar aggregate classification (germline): Uncertain significance. Review status: criteria provided, multiple submitters, no conflicts (2 of 4 stars). 4 submissions from 4 submitters: Uncertain significance (3). 1 of the submissions does not count toward it. Last evaluated 2025-08-01.

Conditions:
Hypercholesterolemia, familial, 4 (FHCL4). Also called: HYPERCHOLESTEROLEMIA, AUTOSOMAL RECESSIVE, 1; HYPERCHOLESTEROLEMIA, AUTOSOMAL RECESSIVE, 2. Identifiers: Orphanet 391665, MedGen C1863512, MONDO:0011374, OMIM 603813.
Cardiovascular phenotype. Identifiers: MedGen CN230736.
Familial hypercholesterolemia. Also called: Familial hypercholesterolemias; Familial hypercholesterolaemia. Identifiers: MedGen C0020445, MONDO:0005439.

Allele frequency attached by ClinVar (database versions not stated): TOPMed below 0.00001; gnomAD 0.00001.
gnomAD v4.1: 15 of 1,613,898 alleles (0.00093%); highest among the groups gnomAD compares: Non-Finnish European, 0.0012%; no homozygotes.

Submissions (4):

Ambry Genetics
Classification: Uncertain significance for Cardiovascular phenotype. Last evaluated: 2025-08-01. Review status: criteria provided, single submitter. Criteria: Ambry Variant Classification Scheme 2023. Collection method: clinical testing. Allele origin: germline.

Genome-Nilou Lab
Classification: Uncertain significance for Hypercholesterolemia, familial, 4. Last evaluated: 2023-04-11. Review status: criteria provided, single submitter. Criteria: ACMG Guidelines, 2015. Collection method: clinical testing. Allele origin: germline. Affected: no.

Labcorp Genetics (formerly Invitae), Labcorp
Classification: Uncertain significance for Hypercholesterolemia, familial, 4. Last evaluated: 2021-09-01. Review status: criteria provided, single submitter. Criteria: Invitae Variant Classification Sherloc (09022015). Collection method: clinical testing. Allele origin: germline.
Comment: This sequence change replaces alanine with threonine at codon 70 of the LDLRAP1 protein (p.Ala70Thr). The alanine residue is highly conserved and there is a small physicochemical difference between alanine and threonine. This variant is not present in population databases (ExAC no frequency). This variant has not been reported in the literature in individuals affected with LDLRAP1-related conditions. Algorithms developed to predict the effect of missense changes on protein structure and function are either unavailable or do not agree on the potential impact of this missense change (SIFT: "Deleterious"; PolyPhen-2: "Probably Damaging"; Align-GVGD: "Class C0"). In summary, the available evidence is currently insufficient to determine the role of this variant in disease. Therefore, it has been classified as a Variant of Uncertain Significance.

Natera, Inc.
Classification: Uncertain significance for Familial hypercholesterolemia. Last evaluated: 2020-01-17. Review status: no assertion criteria provided. Collection method: clinical testing. Allele origin: germline. Not counted in ClinVar's aggregate classification.

NM_015627.3(LDLRAP1):c.208G>A (p.Ala70Thr)

Gene: LDLRAP1 (low density lipoprotein receptor adaptor protein 1; plus strand). Cytogenetic location: 1p36.11.
Variant type: single nucleotide variant.
Coding change: c.208G>A on transcript NM_015627.3 (MANE Select); coding-DNA position 208, G replaced by A.
Protein change: p.Ala70Thr; replaces alanine 70 with threonine.
Molecular consequence: missense variant.
Genome position (GRCh38, 1-based): chr1:25,554,041, G>A. VCF-style: chr1-25554041-G-A. GRCh37 (hg19) VCF-style: chr1-25880532-G-A.
Other names: short protein forms A70T.
Identifiers: ClinVar variation 937981 (VCV000937981.8), dbSNP rs776857764, ClinGen allele CA19674175.